The following is an entry in ClinVar:

ClinVar aggregate classification (germline): Conflicting classifications of pathogenicity. Review status: criteria provided, conflicting classifications (1 of 4 stars). 5 submissions from 5 submitters: Uncertain significance (2); Likely benign (3). Last evaluated 2026-05-01.

Conditions:
ABCA4-related disorder. Also called: ABCA4-related condition; ABCA4-related disorders. Identifiers: MedGen CN239167.

Allele frequency attached by ClinVar (database versions not stated): gnomAD exomes 0.00026; 1000 Genomes Project 0.00040; 1000 Genomes Project 30x 0.00047; ExAC 0.00051; gnomAD 0.00088 and 0.00098; TOPMed 0.00108; ESP Exome Variant Server 0.00123.
gnomAD v4.1: 277 of 1,607,546 alleles (0.017%); highest among the groups gnomAD compares: African/African-American, 0.34%; no homozygotes.

Submissions (5):

CeGaT Center for Human Genetics Tuebingen
Classification: Uncertain significance. Last evaluated: 2026-05-01. Review status: criteria provided, single submitter. Criteria: CeGaT Center For Human Genetics Tuebingen Variant Classification Criteria Version 2. Collection method: clinical testing. Allele origin: germline. Affected: yes. Observed: 1 variant allele.
Comment: ABCA4: PM2, BP4

Labcorp Genetics (formerly Invitae), Labcorp
Classification: Likely benign. Last evaluated: 2026-01-24. Review status: criteria provided, single submitter. Criteria: Invitae Variant Classification Sherloc (09022015). Collection method: clinical testing. Allele origin: germline.

PreventionGenetics, part of Exact Sciences
Classification: Likely benign for ABCA4-related condition. Last evaluated: 2024-11-08. Review status: criteria provided, single submitter. Criteria: ACMG Guidelines, 2015. Collection method: clinical testing. Allele origin: germline.
Comment: This variant is classified as likely benign based on ACMG/AMP sequence variant interpretation guidelines (Richards et al. 2015 PMID: 25741868, with internal and published modifications).

Blueprint Genetics
Classification: Uncertain significance. Last evaluated: 2024-10-22. Review status: criteria provided, single submitter. Criteria: ACMG Guidelines, 2015. Collection method: clinical testing. Allele origin: germline.

GeneDx
Classification: Likely benign. Last evaluated: 2015-03-03. Review status: criteria provided, single submitter. Criteria: GeneDx Variant Classification Process June 2021. Collection method: clinical testing. Allele origin: germline. Affected: yes.
Comment: See Variant Classification Assertion Criteria.

NM_000350.3(ABCA4):c.4467G>T (p.Arg1489Ser)

Gene: ABCA4 (ATP binding cassette subfamily A member 4; minus strand). Cytogenetic location: 1p22.1.
Variant type: single nucleotide variant.
Coding change: c.4467G>T on transcript NM_000350.3 (MANE Select); coding-DNA position 4467, G replaced by T.
Protein change: p.Arg1489Ser; replaces arginine 1489 with serine.
Molecular consequence: missense variant.
Genome position (GRCh38, 1-based): chr1:94,029,517, C>A on the plus strand (G>T on the coding strand, the complement: ABCA4 is on the minus strand). VCF-style: chr1-94029517-C-A. GRCh37 (hg19) VCF-style: chr1-94495073-C-A.
Other names: c.4245G>T, p.Arg1415Ser (NM_001425324.1); short protein forms R1489S, R1415S.
Identifiers: ClinVar variation 780251 (VCV000780251.17), dbSNP rs140952412, ClinGen allele CA957599.